The following is an entry in ClinVar:

ClinVar aggregate classification (germline): Pathogenic/Likely pathogenic. Review status: criteria provided, multiple submitters, no conflicts (2 of 4 stars). 2 submissions from 2 submitters: Pathogenic (1); Likely pathogenic (1). Last evaluated 2018-11-20.

Conditions:
Tubulinopathy. Also called: Tubulinopathies. Identifiers: MedGen CN850169, MONDO:0100153.

Submissions (2):

GeneDx
Classification: Pathogenic. Last evaluated: 2018-11-20. Review status: criteria provided, single submitter. Criteria: GeneDx Variant Classification (06012015). Collection method: clinical testing. Allele origin: germline. Affected: yes.
Comment: The R214L variant in the TUBA1A gene has not been reported previously as a pathogenic variant nor as a benign variant, to our knowledge. However, a missense variant at the same codon, R214H, has been reported as a de novo variant in an individual with central polymicrogyria-like cortical dysplasia and complete agenesis of the corpus callosum (Bahi-Buisson et al., 2014). The R214L variant is not observed in large population cohorts (Lek et al., 2016; 1000 Genomes Consortium et al., 2015; Exome Variant Server). The R214L variant is a non-conservative amino acid substitution, which is likely to impact secondary protein structure as these residues differ in polarity, charge, size and/or other properties. This substitution occurs at a position that is conserved across species. In silico analysis predicts this variant is probably damaging to the protein structure/function. We interpret R214L as a pathogenic variant.

Institute of Human Genetics, FAU Erlangen, Friedrich-Alexander-Universität Erlangen-Nürnberg
Classification: Likely pathogenic for Tubulinopathies. Last evaluated: 2018-07-01. Review status: criteria provided, single submitter. Criteria: ACMG Guidelines, 2015. Collection method: literature only. Allele origin: germline. Affected: yes. Observed: 1 variant allele.
Comment: The c.641G>T, p.(Arg214Leu) variant has been reported as a variant of germline/unknown origin.

Literature cited by the submitters: PubMed 30744660 (cited by Institute of Human Genetics, FAU Erlangen, Friedrich-Alexander-Universität Erlangen-Nürnberg); DOI 10.1101/427948 (cited by Institute of Human Genetics, FAU Erlangen, Friedrich-Alexander-Universität Erlangen-Nürnberg).

NM_006009.4(TUBA1A):c.641G>T (p.Arg214Leu)

Gene: TUBA1A (tubulin alpha 1a; minus strand). Cytogenetic location: 12q13.12.
Variant type: single nucleotide variant.
Coding change: c.641G>T on transcript NM_006009.4 (MANE Select); coding-DNA position 641, G replaced by T.
Protein change: p.Arg214Leu; replaces arginine 214 with leucine.
Molecular consequence: missense variant.
Genome position (GRCh38, 1-based): chr12:49,185,725, C>A on the plus strand (G>T on the coding strand, the complement: TUBA1A is on the minus strand). VCF-style: chr12-49185725-C-A. GRCh37 (hg19) VCF-style: chr12-49579508-C-A.
Other names: c.641G>T, p.Arg214Leu (NM_001270399.2); c.536G>T, p.Arg179Leu (NM_001270400.2); short protein forms R214L, R179L.
Identifiers: ClinVar variation 432708 (VCV000432708.3), dbSNP rs1057517843, ClinGen allele CA384641110.
Genomic context (GRCh38, chr12:49,185,725, plus strand): 5'-ATTTGACCTATTAACCTATTCAGGTTAGTATAGGTTGGACGCTCAATATCGAGGTTTCTA[C>A]GACAGATGTCATAGATGGCCTCATTGTCTACCATGAAGGCACAATCAGAGTGCTCCAGGG-3'
Protein context (NP_006000.2, residues 204-224): VDNEAIYDIC[Arg214Leu]RNLDIERPTY